The following is an entry in ClinVar:

ClinVar aggregate classification (germline): Uncertain significance (1 of 4 stars; one submission).

Allele frequency attached by ClinVar (database versions not stated): gnomAD exomes below 0.00001; gnomAD 0.00001; TOPMed 0.00001.

Submission:

Labcorp Genetics (formerly Invitae), Labcorp
Classification: Uncertain significance. Last evaluated: 2022-07-19. Review status: criteria provided, single submitter. Criteria: Invitae Variant Classification Sherloc (09022015). Collection method: clinical testing. Allele origin: germline.
Comment: This variant is not present in population databases (gnomAD no frequency). This sequence change replaces alanine with valine at codon 13 of the UNC119 protein (p.Ala13Val). The alanine residue is weakly conserved and there is a small physicochemical difference between alanine and valine. This variant has not been reported in the literature in individuals affected with UNC119-related conditions. In summary, the available evidence is currently insufficient to determine the role of this variant in disease. Therefore, it has been classified as a Variant of Uncertain Significance. Algorithms developed to predict the effect of sequence changes on RNA splicing suggest that this variant may create or strengthen a splice site. Algorithms developed to predict the effect of missense changes on protein structure and function are either unavailable or do not agree on the potential impact of this missense change (SIFT: "Not Available"; PolyPhen-2: "Benign"; Align-GVGD: "Not Available"). ClinVar contains an entry for this variant (Variation ID: 1005189).

NM_005148.4(UNC119):c.38C>T (p.Ala13Val)

Genes: UNC119 (unc-119 lipid binding chaperone; minus strand), LOC130060555 (ATAC-STARR-seq lymphoblastoid silent region 8343; plus strand). Cytogenetic location: 17q11.2.
Variant type: single nucleotide variant.
Coding change: c.38C>T on transcript NM_005148.4 (MANE Select); coding-DNA position 38, C replaced by T.
Protein change: p.Ala13Val; replaces alanine 13 with valine.
Molecular consequence: missense variant. On other transcripts: 5 prime UTR variant (1).
Genome position (GRCh38, 1-based): chr17:28,552,520, G>A on the plus strand (C>T on the coding strand, the complement: UNC119 is on the minus strand). VCF-style: chr17-28552520-G-A. GRCh37 (hg19) VCF-style: chr17-26879538-G-A.
Other names: c.-276C>T (NM_001330166.2); c.38C>T, p.Ala13Val (NM_054035.2); short protein forms A13V.
Identifiers: ClinVar variation 1005189 (VCV001005189.5), dbSNP rs1312163292, ClinGen allele CA398336826.
Genomic context (GRCh38, chr17:28,552,520, plus strand): 5'-GCAGGCGGCTGTGGTATGGGGGCCACGCTCTGGCCCGAGGGCCCCGGAGCGGACTCCGTC[G>A]CCGTCCCGGCCCCACCGCCGCCCTTCTTCACCTTCATGGCCTTGCGGGGCCGAGGCTCGC-3'
Protein context (NP_005139.1, residues 3-23): VKKGGGGAGT[Ala13Val]TESAPGPSGQ